The following is an entry in ClinVar:

NM_017841.4(SDHAF2):c.391A>T (p.Ile131Leu)

Gene: SDHAF2 (succinate dehydrogenase complex assembly factor 2; plus strand). Cytogenetic location: 11q12.2.
Variant type: single nucleotide variant.
Coding change: c.391A>T on transcript NM_017841.4 (MANE Select); coding-DNA position 391, A replaced by T.
Protein change: p.Ile131Leu; replaces isoleucine 131 with leucine.
Molecular consequence: missense variant.
Genome position (GRCh38, 1-based): chr11:61,445,961, A>T. VCF-style: chr11-61445961-A-T. GRCh37 (hg19) VCF-style: chr11-61213433-A-T.
Other names: short protein forms I131L.
Identifiers: ClinVar variation 532517 (VCV000532517.14), dbSNP rs773580529, ClinGen allele CA059240.
Genomic context (GRCh38, chr11:61,445,961, plus strand): 5'-GACTATGGCATAATTTTTTCTGCCCACTCTTCTCTTGCAGAAGCTAAACCAGCCCCAGAA[A>T]TATTTGAAAATGAAGTCATGGCCCTGCTGAGAGACTTTGCTAAAAACAAAAACAAAGAGC-3'
Protein context (NP_060311.1, residues 121-141): WATEAKPAPE[Ile131Leu]FENEVMALLR

ClinVar aggregate classification (germline): Uncertain significance. Review status: criteria provided, multiple submitters, no conflicts (2 of 4 stars). 6 submissions from 6 submitters: Uncertain significance (6). Last evaluated 2025-11-17.

Conditions:
Pheochromocytoma/paraganglioma syndrome 2. Also called: GLOMUS TUMORS, FAMILIAL, 2; Paragangliomas 2; SDHAF2-Related Hereditary Paraganglioma-Pheochromocytoma Syndrome (Paragangliomas 2); SDHAF2-Related Hereditary Paraganglioma-Pheochromocytoma Syndrome. Identifiers: Orphanet 29072, MedGen C1866552, MONDO:0011121, OMIM 601650.
Hereditary cancer-predisposing syndrome. Also called: Neoplastic Syndromes, Hereditary; Hereditary Cancer Syndrome; Tumor predisposition; Hereditary neoplastic syndrome. Identifiers: Orphanet 140162, MedGen C0027672, MeSH D009386, MONDO:0015356.
Hereditary pheochromocytoma and paraganglioma. Also called: Hereditary Paraganglioma-Pheochromocytoma Syndromes; Hereditary paragangliomas and pheochromocytomas; Hereditary pheochromocytoma-paraganglioma. Identifiers: Orphanet 29072, MedGen C4274332, MONDO:0017366.

Allele frequency attached by ClinVar (database versions not stated): gnomAD exomes 0.00001 and 0.00003; ExAC 0.00002; TOPMed 0.00002.
gnomAD v4.1: 8 of 1,614,220 alleles (0.0005%); highest among the groups gnomAD compares: Admixed American, 0.012%; no homozygotes.

Submissions (6):

Labcorp Genetics (formerly Invitae), Labcorp
Classification: Uncertain significance for Hereditary pheochromocytoma and paraganglioma. Last evaluated: 2025-11-17. Review status: criteria provided, single submitter. Criteria: Invitae Variant Classification Sherloc (09022015). Collection method: clinical testing. Allele origin: germline.
Comment: This sequence change replaces isoleucine, which is neutral and non-polar, with leucine, which is neutral and non-polar, at codon 131 of the SDHAF2 protein (p.Ile131Leu). This variant is present in population databases (rs773580529, gnomAD 0.02%). This variant has not been reported in the literature in individuals affected with SDHAF2-related conditions. ClinVar contains an entry for this variant (Variation ID: 532517). An algorithm developed to predict the effect of missense changes on protein structure and function (PolyPhen-2) suggests that this variant is likely to be tolerated. In summary, the available evidence is currently insufficient to determine the role of this variant in disease. Therefore, it has been classified as a Variant of Uncertain Significance.

Quest Diagnostics Nichols Institute San Juan Capistrano
Classification: Uncertain significance. Last evaluated: 2025-11-05. Review status: criteria provided, single submitter. Criteria: Quest Diagnostics criteria. Collection method: clinical testing. Allele origin: unknown.
Comment: The SDHAF2 c.391A>T (p.Ile131Leu) variant has not been reported in individuals with SDHAF2-related conditions in the published literature. The frequency of this variant in the general population (Genome Aggregation Database) is higher than would generally be expected for pathogenic variants in this gene. Analysis of this variant using bioinformatics tools for the prediction of the effect of amino acid changes on protein structure and function yielded predictions that this variant is benign. Based on the available information, we are unable to determine the clinical significance of this variant.

Ambry Genetics
Classification: Uncertain significance for Hereditary cancer-predisposing syndrome. Last evaluated: 2025-06-10. Review status: criteria provided, single submitter. Criteria: Ambry Variant Classification Scheme 2023. Collection method: clinical testing. Allele origin: germline.

Color Diagnostics, LLC DBA Color Health
Classification: Uncertain significance for Hereditary pheochromocytoma and paraganglioma. Last evaluated: 2025-06-09. Review status: criteria provided, single submitter. Criteria: ACMG Guidelines, 2015. Collection method: clinical testing. Allele origin: germline.
Comment: This missense variant replaces isoleucine with leucine at codon 131 of the SDHAF2 protein. Computational prediction suggests that this variant may not impact protein structure and function. To our knowledge, functional studies have not been reported for this variant. This variant has not been reported in individuals affected with SDHAF2-related disorders in the literature. This variant has been identified in 8/251432 chromosomes in the general population by the Genome Aggregation Database (gnomAD). The available evidence is insufficient to determine the role of this variant in disease conclusively. Therefore, this variant is classified as a Variant of Uncertain Significance.

Baylor Genetics
Classification: Uncertain significance for Pheochromocytoma/paraganglioma syndrome 2. Last evaluated: 2023-08-13. Review status: criteria provided, single submitter. Criteria: ACMG Guidelines, 2015. Collection method: clinical testing. Allele origin: unknown.

All of Us Research Program, National Institutes of Health
Classification: Uncertain significance for Hereditary pheochromocytoma and paraganglioma. Last evaluated: 2023-06-26. Review status: criteria provided, single submitter. Criteria: ACMG Guidelines, 2015. Collection method: clinical testing. Allele origin: germline. Inheritance: Autosomal dominant inheritance. Observed: 2 variant alleles, 2 heterozygotes.
Comment: This missense variant replaces isoleucine with leucine at codon 131 of the SDHAF2 protein. Computational prediction suggests that this variant may not impact protein structure and function (internally defined REVEL score threshold <= 0.5, PMID: 27666373). To our knowledge, functional studies have not been reported for this variant. This variant has not been reported in individuals affected with SDHAF2-related disorders in the literature. This variant has been identified in 8/251432 chromosomes in the general population by the Genome Aggregation Database (gnomAD). The available evidence is insufficient to determine the role of this variant in disease conclusively. Therefore, this variant is classified as a Variant of Uncertain Significance.

This study involves interpretation of variants in research participants for the purpose of population health screening. Participant phenotype was not available at the time of variant classification. Additional details can be found in publication PMID: 35346344, PMCID: PMC8962531